The following is an entry in ClinVar:

NM_001012301.4(ARSI):c.790G>A (p.Ala264Thr)

Gene: ARSI (arylsulfatase family member I; minus strand). Cytogenetic location: 5q32.
Variant type: single nucleotide variant.
Coding change: c.790G>A on transcript NM_001012301.4 (MANE Select); coding-DNA position 790, G replaced by A.
Protein change: p.Ala264Thr; replaces alanine 264 with threonine.
Molecular consequence: missense variant.
Genome position (GRCh38, 1-based): chr5:150,298,134, C>T on the plus strand (G>A on the coding strand, the complement: ARSI is on the minus strand). VCF-style: chr5-150298134-C-T. GRCh37 (hg19) VCF-style: chr5-149677697-C-T.
Other names: short protein forms A264T.
Identifiers: ClinVar variation 836087 (VCV000836087.2), dbSNP rs770174912, ClinGen allele CA3510244.

ClinVar aggregate classification (germline): Uncertain significance. Review status: criteria provided, multiple submitters, no conflicts (2 of 4 stars). 2 submissions from 2 submitters: Uncertain significance (2). Last evaluated 2025-10-06.

Conditions:
Spastic paraplegia. Identifiers: MedGen C0037772, HP:0001258.

Allele frequency attached by ClinVar (database versions not stated): gnomAD 0.00003 and 0.00002; ExAC 0.00001; TOPMed 0.00002; gnomAD exomes 0.00001.

Submissions (2):

Ambry Genetics
Classification: Uncertain significance. Last evaluated: 2025-10-06. Review status: criteria provided, single submitter. Criteria: Ambry Variant Classification Scheme 2023. Collection method: clinical testing. Allele origin: germline.

Labcorp Genetics (formerly Invitae), Labcorp
Classification: Uncertain significance for Spastic paraplegia. Last evaluated: 2019-03-28. Review status: criteria provided, single submitter. Criteria: Invitae Variant Classification Sherloc (09022015). Collection method: clinical testing. Allele origin: germline.
Comment: This sequence change replaces alanine with threonine at codon 264 of the ARSI protein (p.Ala264Thr). The alanine residue is highly conserved and there is a small physicochemical difference between alanine and threonine. This variant is present in population databases (rs770174912, ExAC 0.009%). This variant has not been reported in the literature in individuals with ARSI-related conditions. Algorithms developed to predict the effect of missense changes on protein structure and function are either unavailable or do not agree on the potential impact of this missense change (SIFT: "Tolerated"; PolyPhen-2: "Probably Damaging"; Align-GVGD: "Class C0"). In summary, the available evidence is currently insufficient to determine the role of this variant in disease. Therefore, it has been classified as a Variant of Uncertain Significance.